The following is an entry in ClinVar:

NM_021625.5(TRPV4):c.1039G>T (p.Asp347Tyr)

Gene: TRPV4 (transient receptor potential cation channel subfamily V member 4; minus strand). Cytogenetic location: 12q24.11.
Variant type: single nucleotide variant.
Coding change: c.1039G>T on transcript NM_021625.5 (MANE Select); coding-DNA position 1039, G replaced by T.
Protein change: p.Asp347Tyr; replaces aspartic acid 347 with tyrosine.
Molecular consequence: missense variant.
Genome position (GRCh38, 1-based): chr12:109,798,727, C>A on the plus strand (G>T on the coding strand, the complement: TRPV4 is on the minus strand). VCF-style: chr12-109798727-C-A. GRCh37 (hg19) VCF-style: chr12-110236532-C-A.
Other names: c.898G>T, p.Asp300Tyr (NM_001177428.2, NM_001177433.2); c.937G>T, p.Asp313Tyr (NM_001177431.2); c.1039G>T, p.Asp347Tyr (NM_147204.3); short protein forms D313Y, D347Y, D300Y.
Identifiers: ClinVar variation 646130 (VCV000646130.10), dbSNP rs1006063188, ClinGen allele CA243467623.

ClinVar aggregate classification (germline): Uncertain significance (1 of 4 stars; one submission).

Conditions:
Charcot-Marie-Tooth disease axonal type 2C (HMSN2C). Also called: Charcot-Marie-Tooth Disease Type 2, TRPV4-Related (CMT2C); CHARCOT-MARIE-TOOTH DISEASE, AXONAL, AUTOSOMAL DOMINANT, TYPE 2C; Charcot-Marie-Tooth Neuropathy Type 2C. Identifiers: Orphanet 99937, MedGen C1853710, MONDO:0011633, OMIM 606071.

Allele frequency attached by ClinVar (database versions not stated): gnomAD 0.00004.
gnomAD v4.1: 40 of 1,613,984 alleles (0.0025%); highest among the groups gnomAD compares: Non-Finnish European, 0.0031%; no homozygotes.

Submission:

Labcorp Genetics (formerly Invitae), Labcorp
Classification: Uncertain significance for Charcot-Marie-Tooth disease axonal type 2C. Last evaluated: 2024-09-17. Review status: criteria provided, single submitter. Criteria: Invitae Variant Classification Sherloc (09022015). Collection method: clinical testing. Allele origin: germline.
Comment: This sequence change replaces aspartic acid, which is acidic and polar, with tyrosine, which is neutral and polar, at codon 347 of the TRPV4 protein (p.Asp347Tyr). This variant is present in population databases (no rsID available, gnomAD 0.004%). This variant has not been reported in the literature in individuals affected with TRPV4-related conditions. ClinVar contains an entry for this variant (Variation ID: 646130). Invitae Evidence Modeling of protein sequence and biophysical properties (such as structural, functional, and spatial information, amino acid conservation, physicochemical variation, residue mobility, and thermodynamic stability) has been performed for this missense variant. However, the output from this modeling did not meet the statistical confidence thresholds required to predict the impact of this variant on TRPV4 protein function. In summary, the available evidence is currently insufficient to determine the role of this variant in disease. Therefore, it has been classified as a Variant of Uncertain Significance.